The following is an entry in ClinVar:

NM_201253.3(CRB1):c.718C>T (p.Gln240Ter)

Gene: CRB1 (crumbs cell polarity complex component 1; plus strand). Cytogenetic location: 1q31.3.
Variant type: single nucleotide variant.
Coding change: c.718C>T on transcript NM_201253.3 (MANE Select); coding-DNA position 718, C replaced by T.
Protein change: p.Gln240Ter; replaces glutamine 240 with a stop codon.
Molecular consequence: nonsense. On other transcripts: non-coding transcript variant (2), intron variant (1).
Genome position (GRCh38, 1-based): chr1:197,344,346, C>T. VCF-style: chr1-197344346-C-T. GRCh37 (hg19) VCF-style: chr1-197313476-C-T.
Other names: c.511C>T, p.Gln171Ter (NM_001257965.2); c.718C>T, p.Gln240Ter (NM_001257966.2); c.653-12485C>T (NM_001193640.2); short protein forms Q171*, Q240*.
Identifiers: ClinVar variation 1073987 (VCV001073987.7), dbSNP rs2125328350, ClinGen allele CA344083247.

ClinVar aggregate classification (germline): Pathogenic (1 of 4 stars; one submission).

Conditions:
Retinitis pigmentosa 12 (RP12). Also called: RP WITH OR WITHOUT PPRPE; RP WITH OR WITHOUT PRESERVED PARAARTERIOLE RETINAL PIGMENT EPITHELIUM; RETINITIS PIGMENTOSA WITH OR WITHOUT PARAARTERIOLAR PRESERVATION OF RETINAL PIGMENT EPITHELIUM. Identifiers: Orphanet 791, MedGen C1838647, MONDO:0010818, OMIM 600105.
Leber congenital amaurosis 8 (LCA8). Identifiers: Orphanet 65, MedGen C3151202, MONDO:0013453, OMIM 613835.

gnomAD v4.1: 1 of 1,614,102 alleles (0.000062%); highest among the groups gnomAD compares: South Asian, 0.0011%; no homozygotes.

Submission:

Labcorp Genetics (formerly Invitae), Labcorp
Classification: Pathogenic for Leber congenital amaurosis 8; Retinitis pigmentosa 12. Last evaluated: 2025-03-20. Review status: criteria provided, single submitter. Criteria: Invitae Variant Classification Sherloc (09022015). Collection method: clinical testing. Allele origin: germline.
Comment: This sequence change creates a premature translational stop signal (p.Gln240*) in the CRB1 gene. It is expected to result in an absent or disrupted protein product. Loss-of-function variants in CRB1 are known to be pathogenic (PMID: 10508521, 22065545, 23379534, 25412400, 26957898, 28041643, 29391521). This variant is not present in population databases (gnomAD no frequency). This variant has not been reported in the literature in individuals affected with CRB1-related conditions. ClinVar contains an entry for this variant (Variation ID: 1073987). For these reasons, this variant has been classified as Pathogenic.

Literature cited by the submitters: PubMed 10508521; PubMed 22065545; PubMed 23379534; PubMed 25412400; PubMed 26957898; PubMed 28041643; PubMed 29391521.